The following is an entry in ClinVar:

NM_001267550.2(TTN):c.64654A>G (p.Ile21552Val)

Genes: TTN (titin; minus strand), TTN-AS1 (TTN antisense RNA 1; plus strand). Cytogenetic location: 2q31.2.
Variant type: single nucleotide variant.
Coding change: c.64654A>G on transcript NM_001267550.2 (MANE Select); coding-DNA position 64654, A replaced by G.
Protein change: p.Ile21552Val; replaces isoleucine 21552 with valine.
Molecular consequence: missense variant.
Genome position (GRCh38, 1-based): chr2:178,585,090, T>C on the plus strand (A>G on the coding strand, the complement: TTN is on the minus strand). VCF-style: chr2-178585090-T-C. GRCh37 (hg19) VCF-style: chr2-179449817-T-C.
Other names: p.I19911V:ATC>GTC; c.59731A>G, p.Ile19911Val (NM_001256850.1); c.37459A>G, p.Ile12487Val (NM_003319.4); c.56950A>G, p.Ile18984Val (NM_133378.4); c.37834A>G, p.Ile12612Val (NM_133432.3); c.38035A>G, p.Ile12679Val (NM_133437.4); c.64654A>G (NM_001267550.1); short protein forms I19911V, I21552V, I12487V, I12612V, I12679V, I18984V.
Identifiers: ClinVar variation 202786 (VCV000202786.20), dbSNP rs201247592, ClinGen allele CA310284.

ClinVar aggregate classification (germline): Benign/Likely benign. Review status: criteria provided, multiple submitters, no conflicts (2 of 4 stars). 7 submissions from 7 submitters: Benign (1); Likely benign (6). Last evaluated 2026-03-27.

Conditions:
TTN-related disorder. Also called: TTN-related condition; TTN-related disease; TTN-related disorders.
Dilated cardiomyopathy 1G (CMD1G). Identifiers: Orphanet 154, MedGen C1858763, MONDO:0011400, OMIM 604145.
Autosomal recessive limb-girdle muscular dystrophy type 2J (LGMDR10). Also called: Limb-girdle muscular dystrophy, type 2J; MUSCULAR DYSTROPHY, LIMB-GIRDLE, AUTOSOMAL RECESSIVE 10. Identifiers: Orphanet 140922, MedGen C1837342, MONDO:0012127, OMIM 608807.
Cardiovascular phenotype. Identifiers: MedGen CN230736.

Allele frequency attached by ClinVar (database versions not stated): gnomAD exomes 0.00002 and 0.00011; ExAC 0.00013; 1000 Genomes Project 0.00020; 1000 Genomes Project 30x 0.00031; gnomAD 0.00034 and 0.00036; ESP Exome Variant Server 0.00042; TOPMed 0.00045.
gnomAD v4.1: 82 of 1,605,362 alleles (0.0051%); highest among the groups gnomAD compares: African/African-American, 0.097%; no homozygotes.

Submissions (7):

Molecular Diagnostic Laboratory for Inherited Cardiovascular Disease, Montreal Heart Institute
Classification: Likely benign. Last evaluated: 2026-03-27. Review status: criteria provided, single submitter. Criteria: ACMG Guidelines, 2015. Collection method: clinical testing. Allele origin: germline. Affected: no.
Comment: BS1;BP1

PreventionGenetics, part of Exact Sciences
Classification: Likely benign for TTN-related condition. Last evaluated: 2026-03-16. Review status: criteria provided, single submitter. Criteria: ACMG Guidelines, 2015. Collection method: clinical testing. Allele origin: germline.
Comment: This variant is classified as likely benign based on ACMG/AMP sequence variant interpretation guidelines (Richards et al. 2015 PMID: 25741868, with internal and published modifications).

Labcorp Genetics (formerly Invitae), Labcorp
Classification: Likely benign for Dilated cardiomyopathy 1G; Autosomal recessive limb-girdle muscular dystrophy type 2J. Last evaluated: 2026-01-10. Review status: criteria provided, single submitter. Criteria: Invitae Variant Classification Sherloc (09022015). Collection method: clinical testing. Allele origin: germline.

Athena Diagnostics
Classification: Likely benign. Last evaluated: 2024-05-20. Review status: criteria provided, single submitter. Criteria: Athena Diagnostics Criteria. Collection method: clinical testing. Allele origin: unknown.

Women's Health and Genetics/Laboratory Corporation of America, LabCorp
Classification: Benign. Last evaluated: 2023-11-28. Review status: criteria provided, single submitter. Criteria: LabCorp Variant Classification Summary - May 2015. Collection method: clinical testing. Allele origin: germline.
Comment: Variant summary: TTN c.56950A>G (p.Ile18984Val) results in a conservative amino acid change located in the A-band region of the encoded protein sequence. Four of five in-silico tools predict a benign effect of the variant on protein function. The variant allele was found at a frequency of 5.1e-05 in 1,598,426 control chromosomes, predominantly at a frequency of 0.001 within the African or African-American subpopulation in the gnomAD database (v4.0 dataset). The observed variant frequency within African or African-American control individuals in the gnomAD database is approximately 2.5-fold of the estimated maximal expected allele frequency for a pathogenic variant in TTN causing Dilated Cardiomyopathy phenotype (0.00039), strongly suggesting that the variant is a benign polymorphism found primarily in populations of African or African-American origin. c.56950A>G has been reported in the literature in an individual affected with Arrhythmogenic Right Ventricular Cardiomyopathy (Campuzano_2015), however in a later study, authors re-classified this variant as benign (Martinez-Barrios_2022). In addition, the variant was also reported in a family affected with Limb-Girdle Muscular dystrophy, where a co-occurring homozygous pathogenic variant in the SGCA gene could explain the phenotype (Dardas_2020). These reports do not support the association of the variant with Dilated Cardiomyopathy. To our knowledge, no experimental evidence demonstrating an impact on protein function has been reported. The following publications have been ascertained in the context of this evaluation (PMID: 26516846, 31953240, 35207729). Three other submitters have cited clinical-significance assessments for this variant to ClinVar after 2014. All submitters classified the variant as benign/likely benign. Based on the evidence outlined above, the variant was classified as benign.

GeneDx
Classification: Likely benign. Last evaluated: 2020-01-16. Review status: criteria provided, single submitter. Criteria: GeneDx Variant Classification Process June 2021. Collection method: clinical testing. Allele origin: germline. Affected: yes.

Ambry Genetics
Classification: Likely benign for Cardiovascular phenotype. Last evaluated: 2019-10-22. Review status: criteria provided, single submitter. Criteria: Ambry Variant Classification Scheme 2023. Collection method: clinical testing. Allele origin: germline.

Literature cited by the submitters: PubMed 35207729 (cited by Athena Diagnostics and Women's Health and Genetics/Laboratory Corporation of America, LabCorp); PubMed 26516846 (cited by Athena Diagnostics and Women's Health and Genetics/Laboratory Corporation of America, LabCorp); PubMed 31953240 (cited by Women's Health and Genetics/Laboratory Corporation of America, LabCorp).